The following is an entry in ClinVar:

ClinVar aggregate classification (germline): Likely benign (1 of 4 stars; one submission).

Conditions:
Ellis-van Creveld syndrome (EVC). Also called: EVC-Related Ellis-van Creveld Syndrome; EVC2-Related Ellis-van Creveld Syndrome; MESOECTODERMAL DYSPLASIA; Chondroectodermal dysplasia. Identifiers: Orphanet 289, MedGen C0013903, MONDO:0009162, OMIM 225500.

Allele frequency attached by ClinVar (database versions not stated): 1000 Genomes Project 30x 0.00047; 1000 Genomes Project 0.00060; gnomAD 0.00090.

Submission:

Illumina Laboratory Services, Illumina
Classification: Likely benign for Ellis-van Creveld syndrome. Last evaluated: 2018-01-13. Review status: criteria provided, single submitter. Criteria: ICSL Variant Classification Criteria 13 December 2019. Collection method: clinical testing. Allele origin: germline.
Comment: This variant was observed in the ICSL laboratory as part of a predisposition screen in an ostensibly healthy population. It had not been previously curated by ICSL or reported in the Human Gene Mutation Database (HGMD: prior to June 1st, 2018), and was therefore a candidate for classification through an automated scoring system. Utilizing variant allele frequency, disease prevalence and penetrance estimates, and inheritance mode, an automated score was calculated to assess if this variant is too frequent to cause the disease. Based on the score and internal cut-off values, a variant classified as likely benign is not then subjected to further curation. The score for this variant resulted in a classification of likely benign for this disease.

NM_153717.3(EVC):c.*1314G>A

Gene: EVC (EvC ciliary complex subunit 1; plus strand). Cytogenetic location: 4p16.2.
Variant type: single nucleotide variant.
Coding change: c.*1314G>A on transcript NM_153717.3 (MANE Select); 1314 bases downstream of the stop codon, G replaced by A.
Molecular consequence: 3 prime UTR variant.
Genome position (GRCh38, 1-based): chr4:5,812,351, G>A. VCF-style: chr4-5812351-G-A. GRCh37 (hg19) VCF-style: chr4-5814078-G-A.
Other names: c.*1314G>A (NM_001306090.2).
Identifiers: ClinVar variation 904656 (VCV000904656.4), dbSNP rs567979829, ClinGen allele CA91729542.